The following is an entry in ClinVar:

NM_004655.4(AXIN2):c.1149G>A (p.Leu383=)

Gene: AXIN2 (axin 2; minus strand). Cytogenetic location: 17q24.1.
Variant type: single nucleotide variant.
Coding change: c.1149G>A on transcript NM_004655.4 (MANE Select); coding-DNA position 1149, G replaced by A.
Protein change: p.Leu383=; no amino-acid change (leucine 383 retained).
Molecular consequence: synonymous variant.
Genome position (GRCh38, 1-based): chr17:65,538,254, C>T on the plus strand (G>A on the coding strand, the complement: AXIN2 is on the minus strand). VCF-style: chr17-65538254-C-T. GRCh37 (hg19) VCF-style: chr17-63534372-C-T.
Other names: c.1149G>A, p.Leu383= (NM_001363813.1).
Identifiers: ClinVar variation 1733341 (VCV001733341.3), dbSNP rs371063358, ClinGen allele CA501476315.

ClinVar aggregate classification (germline): Benign/Likely benign. Review status: criteria provided, multiple submitters, no conflicts (2 of 4 stars). 2 submissions from 2 submitters: Benign (1); Likely benign (1). Last evaluated 2024-07-01.

Conditions:
Hereditary cancer-predisposing syndrome. Also called: Neoplastic Syndromes, Hereditary; Tumor predisposition; Hereditary Cancer Syndrome; Hereditary neoplastic syndrome. Identifiers: Orphanet 140162, MedGen C0027672, MeSH D009386, MONDO:0015356.
Oligodontia-cancer predisposition syndrome. Also called: TOOTH AGENESIS-COLORECTAL CANCER SYNDROME. Identifiers: Orphanet 300576, MedGen C1837750, MONDO:0012075, OMIM 608615. Disease mechanism: loss of function.

gnomAD v4.1: 1 of 1,614,206 alleles (0.000062%); no homozygotes.

Submissions (2):

Myriad Genetics, Inc.
Classification: Benign for Oligodontia-cancer predisposition syndrome. Last evaluated: 2024-07-01. Review status: criteria provided, single submitter. Criteria: Myriad Autosomal Dominant, Autosomal Recessive and X-Linked Classification Criteria (2023). Collection method: clinical testing. Allele origin: unknown.
Comment: This variant is considered benign. This variant is a silent/synonymous amino acid change and it is not expected to impact splicing.

Ambry Genetics
Classification: Likely benign for Hereditary cancer-predisposing syndrome. Last evaluated: 2022-01-18. Review status: criteria provided, single submitter. Criteria: Ambry Variant Classification Scheme 2023. Collection method: clinical testing. Allele origin: germline.